The following is an entry in ClinVar:

ClinVar aggregate classification (germline): Uncertain significance (1 of 4 stars; one submission).

Allele frequency attached by ClinVar (database versions not stated): gnomAD exomes 0.00003; gnomAD 0.00003; TOPMed 0.00006; ExAC 0.00004.
gnomAD v4.1: 49 of 1,613,016 alleles (0.003%); highest among the groups gnomAD compares: East Asian, 0.085%; no homozygotes.

Submission:

Labcorp Genetics (formerly Invitae), Labcorp
Classification: Uncertain significance. Last evaluated: 2025-09-02. Review status: criteria provided, single submitter. Criteria: Invitae Variant Classification Sherloc (09022015). Collection method: clinical testing. Allele origin: germline.
Comment: This sequence change replaces arginine, which is basic and polar, with histidine, which is basic and polar, at codon 890 of the MYH7B protein (p.Arg890His). This variant is present in population databases (rs749823277, gnomAD 0.05%). This variant has not been reported in the literature in individuals affected with MYH7B-related conditions. ClinVar contains an entry for this variant (Variation ID: 3013965). Invitae Evidence Modeling of protein sequence and biophysical properties (such as structural, functional, and spatial information, amino acid conservation, physicochemical variation, residue mobility, and thermodynamic stability) has been performed for this missense variant. However, the output from this modeling did not meet the statistical confidence thresholds required to predict the impact of this variant on MYH7B protein function. In summary, the available evidence is currently insufficient to determine the role of this variant in disease. Therefore, it has been classified as a Variant of Uncertain Significance.

NM_020884.7(MYH7B):c.2543G>A (p.Arg848His)

Gene: MYH7B (myosin heavy chain 7B; plus strand). Cytogenetic location: 20q11.22.
Variant type: single nucleotide variant.
Coding change: c.2543G>A on transcript NM_020884.7 (MANE Select); coding-DNA position 2543, G replaced by A.
Protein change: p.Arg848His; replaces arginine 848 with histidine.
Molecular consequence: missense variant.
Genome position (GRCh38, 1-based): chr20:34,994,244, G>A. VCF-style: chr20-34994244-G-A. GRCh37 (hg19) VCF-style: chr20-33582047-G-A.
Other names: short protein forms R848H.
Identifiers: ClinVar variation 3013965 (VCV003013965.3), dbSNP rs749823277, ClinGen allele CA9827410.